The following is an entry in ClinVar:

NM_001282225.2(ADA2):c.1097C>T (p.Ser366Phe)

Gene: ADA2 (adenosine deaminase 2; minus strand). Cytogenetic location: 22q11.1.
Variant type: single nucleotide variant.
Coding change: c.1097C>T on transcript NM_001282225.2 (MANE Select); coding-DNA position 1097, C replaced by T.
Protein change: p.Ser366Phe; replaces serine 366 with phenylalanine.
Molecular consequence: missense variant.
Genome position (GRCh38, 1-based): chr22:17,182,746, G>A on the plus strand (C>T on the coding strand, the complement: ADA2 is on the minus strand). VCF-style: chr22-17182746-G-A. GRCh37 (hg19) VCF-style: chr22-17663636-G-A.
Other names: c.1097C>T, p.Ser366Phe (NM_001282226.2); c.971C>T, p.Ser324Phe (NM_001282227.2, NM_001282228.2); c.737C>T, p.Ser246Phe (NM_001282229.2); c.374C>T, p.Ser125Phe (NM_177405.3); short protein forms S125F, S246F, S324F, S366F.
Identifiers: ClinVar variation 1376990 (VCV001376990.6), dbSNP rs2123605324, ClinGen allele CA410232542.
Genomic context (GRCh38, chr22:17,182,746, plus strand): 5'-AATCCATGGCCGATTCTGGTAGTGTTCAGCATCAGAGCATCCAGAATGTTCCTGTCTATG[G>A]AAGTACCCTGCCAGTCTGAACACACGGGAATGGTCTTCCATGGGGGATGGATGGGTCTGG-3'
Protein context (NP_001269154.1, residues 356-376): HAGETDWQGT[Ser366Phe]IDRNILDALM

ClinVar aggregate classification (germline): Uncertain significance (1 of 4 stars; one submission).

Conditions:
Deficiency of adenosine deaminase 2. Also called: VASCULITIS, AUTOINFLAMMATION, IMMUNODEFICIENCY, AND HEMATOLOGIC DEFECTS SYNDROME; Polyarteritis nodosa, childhoood-onset; Adenosine Deaminase 2 Deficiency. Identifiers: Orphanet 404553, MedGen C3887654, MONDO:0014306, OMIM 615688, MONDO:0100317.

Submission:

Labcorp Genetics (formerly Invitae), Labcorp
Classification: Uncertain significance for Deficiency of adenosine deaminase 2. Last evaluated: 2021-08-22. Review status: criteria provided, single submitter. Criteria: Invitae Variant Classification Sherloc (09022015). Collection method: clinical testing. Allele origin: germline.
Comment: This sequence change replaces serine with phenylalanine at codon 366 of the ADA2 protein (p.Ser366Phe). The serine residue is highly conserved and there is a large physicochemical difference between serine and phenylalanine. This variant is not present in population databases (ExAC no frequency). This variant has not been reported in the literature in individuals affected with ADA2-related conditions. Algorithms developed to predict the effect of missense changes on protein structure and function are either unavailable or do not agree on the potential impact of this missense change (SIFT: "Deleterious"; PolyPhen-2: "Benign"; Align-GVGD: "Class C0"). In summary, the available evidence is currently insufficient to determine the role of this variant in disease. Therefore, it has been classified as a Variant of Uncertain Significance.